The following is an entry in ClinVar:

NM_000399.5(EGR2):c.718G>A (p.Gly240Ser)

Gene: EGR2 (early growth response 2; minus strand). Cytogenetic location: 10q21.3.
Variant type: single nucleotide variant.
Coding change: c.718G>A on transcript NM_000399.5 (MANE Select); coding-DNA position 718, G replaced by A.
Protein change: p.Gly240Ser; replaces glycine 240 with serine.
Molecular consequence: missense variant.
Genome position (GRCh38, 1-based): chr10:62,813,920, C>T on the plus strand (G>A on the coding strand, the complement: EGR2 is on the minus strand). VCF-style: chr10-62813920-C-T. GRCh37 (hg19) VCF-style: chr10-64573680-C-T.
Other names: c.718G>A (NM_000399.3); c.718G>A, p.Gly240Ser (NM_001136177.3, NM_001136178.2); c.568G>A, p.Gly190Ser (NM_001136179.3, NM_001321037.2); short protein forms G190S, G240S.
Identifiers: ClinVar variation 1051798 (VCV001051798.11), dbSNP rs1842190634, ClinGen allele CA377029095.
Genomic context (GRCh38, chr10:62,813,920, plus strand): 5'-GGGGCACCCGCAGGGTGTCCAGTGGGCAGGGAAAGGGCTTACGGTCTGGGCCAGCTGTAC[C>T]ATGTAGGTCTCTCTGGCACTGAGATGGAAAGAATCCAGGATAGTCTGGGATCATTGGGAA-3'
Protein context (NP_000390.2, residues 230-250): FPSQCQRDLH[Gly240Ser]TAGPDRKPFP

ClinVar aggregate classification (germline): Uncertain significance. Review status: criteria provided, multiple submitters, no conflicts (2 of 4 stars). 2 submissions from 2 submitters: Uncertain significance (2). Last evaluated 2024-01-22.

Conditions:
Inborn genetic diseases. Identifiers: MedGen C0950123, MeSH D030342.
Charcot-Marie-Tooth disease, type I (CMT1). Also called: Charcot-Marie-Tooth, Type 1; Charcot-Marie-Tooth disease type 1. Identifiers: Orphanet 65753, MedGen C0751036, MONDO:0019011.

Allele frequency attached by ClinVar (database versions not stated): gnomAD exomes below 0.00001; TOPMed below 0.00001.
gnomAD v4.1: 7 of 1,614,164 alleles (0.00043%); highest among the groups gnomAD compares: Admixed American, 0.0017%; no homozygotes.

Submissions (2):

Ambry Genetics
Classification: Uncertain significance for Inborn genetic diseases. Last evaluated: 2024-01-22. Review status: criteria provided, single submitter. Criteria: Ambry Variant Classification Scheme 2023. Collection method: clinical testing. Allele origin: germline.

Labcorp Genetics (formerly Invitae), Labcorp
Classification: Uncertain significance for Charcot-Marie-Tooth disease, type I. Last evaluated: 2022-03-18. Review status: criteria provided, single submitter. Criteria: Invitae Variant Classification Sherloc (09022015). Collection method: clinical testing. Allele origin: germline.
Comment: Algorithms developed to predict the effect of missense changes on protein structure and function output the following: SIFT: "Tolerated"; PolyPhen-2: "Possibly Damaging"; Align-GVGD: "Class C0". The serine amino acid residue is found in multiple mammalian species, which suggests that this missense change does not adversely affect protein function. ClinVar contains an entry for this variant (Variation ID: 1051798). This variant has not been reported in the literature in individuals affected with EGR2-related conditions. This variant is not present in population databases (gnomAD no frequency). This sequence change replaces glycine, which is neutral and non-polar, with serine, which is neutral and polar, at codon 240 of the EGR2 protein (p.Gly240Ser). In summary, the available evidence is currently insufficient to determine the role of this variant in disease. Therefore, it has been classified as a Variant of Uncertain Significance.